The following is an entry in ClinVar:

NM_000038.6(APC):c.1378G>C (p.Glu460Gln)

Gene: APC (APC regulator of Wnt signaling pathway; plus strand). Cytogenetic location: 5q22.2.
Variant type: single nucleotide variant.
Coding change: c.1378G>C on transcript NM_000038.6 (MANE Select); coding-DNA position 1378, G replaced by C.
Protein change: p.Glu460Gln; replaces glutamic acid 460 with glutamine.
Molecular consequence: missense variant.
Genome position (GRCh38, 1-based): chr5:112,821,961, G>C. VCF-style: chr5-112821961-G-C. GRCh37 (hg19) VCF-style: chr5-112157658-G-C.
Other names: c.1378G>C, p.Glu460Gln (NM_001127510.3, NM_001354895.2, NM_001354896.2); c.1324G>C, p.Glu442Gln (NM_001127511.3); c.1408G>C, p.Glu470Gln (NM_001354897.2); c.1303G>C, p.Glu435Gln (NM_001354898.2); c.1294G>C, p.Glu432Gln (NM_001354899.2); c.1201G>C, p.Glu401Gln (NM_001354900.2, NM_001354901.2); c.1105G>C, p.Glu369Gln (NM_001354902.2); c.1075G>C, p.Glu359Gln (NM_001354903.2); and 3 more; short protein forms E334Q, E359Q, E177Q, E401Q, E442Q, E460Q, E300Q, E369Q.
Identifiers: ClinVar variation 1520419 (VCV001520419.8), dbSNP rs786203718, ClinGen allele CA16024322.

ClinVar aggregate classification (germline): Uncertain significance (1 of 4 stars; one submission).

Conditions:
Familial adenomatous polyposis 1 (FAP1). Also called: FAMILIAL ADENOMATOUS POLYPOSIS 1, ATTENUATED; POLYPOSIS, ADENOMATOUS INTESTINAL. Identifiers: MedGen C2713442, MONDO:0021056, OMIM 175100. Disease mechanism: loss of function.

Submission:

Labcorp Genetics (formerly Invitae), Labcorp
Classification: Uncertain significance for Familial adenomatous polyposis 1. Last evaluated: 2024-09-23. Review status: criteria provided, single submitter. Criteria: Invitae Variant Classification Sherloc (09022015). Collection method: clinical testing. Allele origin: germline.
Comment: This sequence change replaces glutamic acid, which is acidic and polar, with glutamine, which is neutral and polar, at codon 460 of the APC protein (p.Glu460Gln). This variant is not present in population databases (gnomAD no frequency). This variant has not been reported in the literature in individuals affected with APC-related conditions. ClinVar contains an entry for this variant (Variation ID: 1520419). Invitae Evidence Modeling of protein sequence and biophysical properties (such as structural, functional, and spatial information, amino acid conservation, physicochemical variation, residue mobility, and thermodynamic stability) indicates that this missense variant is not expected to disrupt APC protein function with a negative predictive value of 95%. In summary, the available evidence is currently insufficient to determine the role of this variant in disease. Therefore, it has been classified as a Variant of Uncertain Significance.